The following is an entry in ClinVar:

NM_005138.3(SCO2):c.541G>A (p.Val181Ile)

Genes: SCO2 (synthesis of cytochrome C oxidase 2; minus strand), NCAPH2 (non-SMC condensin II complex subunit H2; plus strand). Cytogenetic location: 22q13.33.
Variant type: single nucleotide variant.
Coding change: c.541G>A on transcript NM_005138.3 (MANE Select); coding-DNA position 541, G replaced by A.
Protein change: p.Val181Ile; replaces valine 181 with isoleucine.
Molecular consequence: missense variant. On other transcripts: 3 prime UTR variant (2).
Genome position (GRCh38, 1-based): chr22:50,523,871, C>T on the plus strand (G>A on the coding strand, the complement: SCO2 is on the minus strand). VCF-style: chr22-50523871-C-T. GRCh37 (hg19) VCF-style: chr22-50962300-C-T.
Other names: c.*496C>T (NM_001185011.2, NM_152299.4); c.541G>A, p.Val181Ile (NM_001169109.2, NM_001169110.1, NM_001169111.2); short protein forms V181I.
Identifiers: ClinVar variation 902939 (VCV000902939.9), dbSNP rs147624681, ClinGen allele CA10321175.
Genomic context (GRCh38, chr22:50,523,871, plus strand): 5'-CCTGGGCAACCTGTTTGGTGGAGCCGGTCAGACCCAACAGTCTTGGGTGGAAGTCCTGGA[C>T]GTAGCGGGCCATGGCTTCAACGTCGTCCCGCTCGGGGTCCACAGTGATGAAGACAGGCTG-3'
Protein context (NP_005129.2, residues 171-191): RDDVEAMARY[Val181Ile]QDFHPRLLGL

ClinVar aggregate classification (germline): Uncertain significance. Review status: criteria provided, multiple submitters, no conflicts (2 of 4 stars). 6 submissions from 5 submitters: Uncertain significance (6). Last evaluated 2024-08-02.

Conditions:
Cardioencephalomyopathy, fatal infantile, due to cytochrome c oxidase deficiency 1 (MC4DN2). Also called: MITOCHONDRIAL COMPLEX IV DEFICIENCY, NUCLEAR TYPE 2; CYTOCHROME c OXIDASE DEFICIENCY, FATAL INFANTILE, WITH CARDIOENCEPHALOMYOPATHY. Identifiers: Orphanet 1561, MedGen C5399977, MONDO:0011451, OMIM 604377.
Mitochondrial complex IV deficiency, nuclear type 1 (MC4DN1). Also called: Mitochondrial complex IV deficiency; Complex 4 mitochondrial respiratory chain deficiency; Deficiency of mitochondrial respiratory chain complex4; Complex IV deficiency; COX DEFICIENCY. Identifiers: MedGen C5435656, MONDO:0700250, OMIM 220110. Disease mechanism: loss of function.
SCO2-related disorder. Also called: SCO2-related condition.
Inborn genetic diseases. Identifiers: MedGen C0950123, MeSH D030342.

Allele frequency attached by ClinVar (database versions not stated): TOPMed 0.00006; gnomAD 0.00007 and 0.00008; gnomAD exomes 0.00008 and 0.00019; ExAC 0.00010; ESP Exome Variant Server 0.00023.
gnomAD v4.1: 290 of 1,613,956 alleles (0.018%); highest among the groups gnomAD compares: Non-Finnish European, 0.023%; no homozygotes.

Submissions (6):

Ambry Genetics
Classification: Uncertain significance for Inborn genetic diseases. Last evaluated: 2024-08-02. Review status: criteria provided, single submitter. Criteria: Ambry Variant Classification Scheme 2023. Collection method: clinical testing. Allele origin: germline.

PreventionGenetics, part of Exact Sciences
Classification: Uncertain significance for SCO2-related condition. Last evaluated: 2022-11-11. Review status: criteria provided, single submitter. Criteria: ACMG Guidelines, 2015. Collection method: clinical testing. Allele origin: germline.
Comment: The SCO2 c.541G>A variant is predicted to result in the amino acid substitution p.Val181Ile. To our knowledge, this variant has not been reported in the literature. This variant is reported in 0.020% of alleles in individuals of East Asian descent in gnomAD. At this time, the clinical significance of this variant is uncertain due to the absence of conclusive functional and genetic evidence.

Labcorp Genetics (formerly Invitae), Labcorp
Classification: Uncertain significance. Last evaluated: 2022-09-07. Review status: criteria provided, single submitter. Criteria: Invitae Variant Classification Sherloc (09022015). Collection method: clinical testing. Allele origin: germline.
Comment: This sequence change replaces valine, which is neutral and non-polar, with isoleucine, which is neutral and non-polar, at codon 181 of the SCO2 protein (p.Val181Ile). This variant is present in population databases (rs147624681, gnomAD 0.02%). This variant has not been reported in the literature in individuals affected with SCO2-related conditions. ClinVar contains an entry for this variant (Variation ID: 902939). Algorithms developed to predict the effect of missense changes on protein structure and function (SIFT, PolyPhen-2, Align-GVGD) all suggest that this variant is likely to be tolerated. In summary, the available evidence is currently insufficient to determine the role of this variant in disease. Therefore, it has been classified as a Variant of Uncertain Significance.

Clinical Genomics Laboratory, Stanford Medicine
Classification: Uncertain significance for Cardioencephalomyopathy, fatal infantile, due to cytochrome c oxidase deficiency 1. Last evaluated: 2022-05-18. Review status: criteria provided, single submitter. Criteria: ACMG Guidelines, 2015. Collection method: clinical testing. Allele origin: germline. Observed: 1 variant allele, 1 heterozygote.
Comment: The p.Val181Ile variant in the SCO2 gene has not been previously reported in association with disease.This variant has been identified in 4/19,950 East Asian chromosomes (22/282,688 chromosomes overall) by the Genome Aggregation Database. Although this variant has been seen in the general population, its frequency is low enough to be consistent with an autosomal recessive carrier status. This variant is present in ClinVar (Variation ID: 902939). The valine at position 181 is moderately evolutionarily conserved. Computational tools predict that the p.Val181Ile variant is deleterious; however, the accuracy of in silico algorithms is limited. These data were assessed using the ACMG/AMP variant interpretation guidelines. In summary, the significance of the p.Val181Ile variant is uncertain. Additional information is needed to resolve the significance of this variant. [ACMG evidence codes used: PM2; PP3]

Illumina Laboratory Services, Illumina
Classification: Uncertain significance for Mitochondrial complex IV deficiency, nuclear type 1. Last evaluated: 2017-04-27. Review status: criteria provided, single submitter. Criteria: ICSL Variant Classification Criteria 13 December 2019. Collection method: clinical testing. Allele origin: germline.

Illumina Laboratory Services, Illumina
Classification: Uncertain significance for Cardioencephalomyopathy, fatal infantile, due to cytochrome c oxidase deficiency 1. Last evaluated: 2017-04-27. Review status: criteria provided, single submitter. Criteria: ICSL Variant Classification Criteria 13 December 2019. Collection method: clinical testing. Allele origin: germline.